The following is an entry in ClinVar:

NM_000112.4(SLC26A2):c.617A>G (p.His206Arg)

Gene: SLC26A2 (solute carrier family 26 member 2; plus strand). Cytogenetic location: 5q32.
Variant type: single nucleotide variant.
Coding change: c.617A>G on transcript NM_000112.4 (MANE Select); coding-DNA position 617, A replaced by G.
Protein change: p.His206Arg; replaces histidine 206 with arginine.
Molecular consequence: missense variant.
Genome position (GRCh38, 1-based): chr5:149,978,269, A>G. VCF-style: chr5-149978269-A-G. GRCh37 (hg19) VCF-style: chr5-149357832-A-G.
Other names: short protein forms H206R.
Identifiers: ClinVar variation 2083653 (VCV002083653.1), dbSNP rs764878581, ClinGen allele CA3505282.

ClinVar aggregate classification (germline): Uncertain significance (1 of 4 stars; one submission).

Conditions:
Achondrogenesis, type IB (ACG1B). Also called: Achondrogenesis Type 1B. Identifiers: Orphanet 932, Orphanet 93298, MedGen C0265274, MONDO:0010966, OMIM 600972.
Diastrophic dysplasia (DTD). Also called: Diastrophic dwarfism. Identifiers: Orphanet 628, MedGen C0220726, MONDO:0009107, OMIM 222600.
Multiple epiphyseal dysplasia type 4 (EDM4). Also called: Multiple Epiphyseal Dysplasia, Recessive; MULTIPLE EPIPHYSEAL DYSPLASIA WITH BILAYERED PATELLAE; MULTIPLE EPIPHYSEAL DYSPLASIA WITH CLUBFOOT; MULTIPLE EPIPHYSEAL DYSPLASIA, AUTOSOMAL RECESSIVE; SLC26A2-Related Multiple Epiphyseal Dysplasia. Identifiers: Orphanet 93307, MedGen C1847593, MONDO:0009189, OMIM 226900.
Atelosteogenesis type II (AO2). Also called: NEONATAL OSSEOUS DYSPLASIA I; SLC26A2-Related Atelosteogenesis; Neonatal osseous dysplasia 1. Identifiers: Orphanet 56304, MedGen C1850554, MONDO:0009727, OMIM 256050.

Allele frequency attached by ClinVar (database versions not stated): gnomAD 0.00001; TOPMed 0.00002; ExAC 0.00004.
gnomAD v4.1: 20 of 1,614,086 alleles (0.0012%); highest among the groups gnomAD compares: Admixed American, 0.022%; no homozygotes.

Submission:

Labcorp Genetics (formerly Invitae), Labcorp
Classification: Uncertain significance for Atelosteogenesis type II; Multiple epiphyseal dysplasia type 4; Achondrogenesis, type IB; Diastrophic dysplasia. Last evaluated: 2022-08-21. Review status: criteria provided, single submitter. Criteria: Invitae Variant Classification Sherloc (09022015). Collection method: clinical testing. Allele origin: germline.
Comment: This sequence change replaces histidine, which is basic and polar, with arginine, which is basic and polar, at codon 206 of the SLC26A2 protein (p.His206Arg). This variant is present in population databases (rs764878581, gnomAD 0.03%). This variant has not been reported in the literature in individuals affected with SLC26A2-related conditions. Advanced modeling of protein sequence and biophysical properties (such as structural, functional, and spatial information, amino acid conservation, physicochemical variation, residue mobility, and thermodynamic stability) performed at Invitae indicates that this missense variant is not expected to disrupt SLC26A2 protein function. In summary, the available evidence is currently insufficient to determine the role of this variant in disease. Therefore, it has been classified as a Variant of Uncertain Significance.